The following is an entry in ClinVar:

ClinVar aggregate classification (germline): Uncertain significance (1 of 4 stars; one submission).

Submission:

Labcorp Genetics (formerly Invitae), Labcorp
Classification: Uncertain significance. Last evaluated: 2024-09-28. Review status: criteria provided, single submitter. Criteria: Invitae Variant Classification Sherloc (09022015). Collection method: clinical testing. Allele origin: germline.
Comment: This sequence change affects codon 395 of the FZD2 mRNA. It is a 'silent' change, meaning that it does not change the encoded amino acid sequence of the FZD2 protein. This variant is not present in population databases (gnomAD no frequency). This variant has not been reported in the literature in individuals affected with FZD2-related conditions. In summary, the available evidence is currently insufficient to determine the role of this variant in disease. Therefore, it has been classified as a Variant of Uncertain Significance.

NM_001466.4(FZD2):c.1185C>T (p.Gly395=)

Gene: FZD2 (frizzled class receptor 2; plus strand). Cytogenetic location: 17q21.31.
Variant type: single nucleotide variant.
Coding change: c.1185C>T on transcript NM_001466.4 (MANE Select); coding-DNA position 1185, C replaced by T.
Protein change: p.Gly395=; no amino-acid change (glycine 395 retained).
Molecular consequence: synonymous variant.
Genome position (GRCh38, 1-based): chr17:44,558,873, C>T. VCF-style: chr17-44558873-C-T. GRCh37 (hg19) VCF-style: chr17-42636241-C-T.
Identifiers: ClinVar variation 3646043 (VCV003646043.2).